The following is an entry in ClinVar:

ClinVar aggregate classification (germline): Likely benign. Review status: criteria provided, single submitter (1 of 4 stars). 2 submissions from 2 submitters: Likely benign (1). 1 of the submissions does not count toward it. Last evaluated 2024-05-30.

Conditions:
CELSR1-related disorder. Also called: CELSR1-related condition.

Allele frequency attached by ClinVar (database versions not stated): TOPMed 0.00017; gnomAD 0.00023; 1000 Genomes Project 0.00220; 1000 Genomes Project 30x 0.00234.
gnomAD v4.1: 175 of 1,613,660 alleles (0.011%); highest among the groups gnomAD compares: East Asian, 0.29%; no homozygotes.

Submissions (2):

Blueprint Genetics
Classification: Likely benign. Last evaluated: 2024-05-30. Review status: criteria provided, single submitter. Criteria: ACMG Guidelines, 2015. Collection method: clinical testing. Allele origin: germline.

PreventionGenetics, part of Exact Sciences
Classification: Likely benign for CELSR1-related condition. Last evaluated: 2019-08-14. Review status: no assertion criteria provided. Collection method: clinical testing. Allele origin: germline. Not counted in ClinVar's aggregate classification.
Comment: This variant is classified as likely benign based on ACMG/AMP sequence variant interpretation guidelines (Richards et al. 2015 PMID: 25741868, with internal and published modifications).

NM_001378328.1(CELSR1):c.6792G>A (p.Pro2264=)

Gene: CELSR1 (cadherin EGF LAG seven-pass G-type receptor 1; minus strand). Cytogenetic location: 22q13.31.
Variant type: single nucleotide variant.
Coding change: c.6792G>A on transcript NM_001378328.1 (MANE Select); coding-DNA position 6792, G replaced by A.
Protein change: p.Pro2264=; no amino-acid change (proline 2264 retained).
Molecular consequence: synonymous variant.
Genome position (GRCh38, 1-based): chr22:46,384,634, C>T on the plus strand (G>A on the coding strand, the complement: CELSR1 is on the minus strand). VCF-style: chr22-46384634-C-T. GRCh37 (hg19) VCF-style: chr22-46780531-C-T.
Other names: c.6792G>A, p.Pro2264= (NM_014246.4).
Identifiers: ClinVar variation 3053388 (VCV003053388.3), dbSNP rs200725732, ClinGen allele CA10293627.